The following is an entry in ClinVar:

NM_018489.3(ASH1L):c.3705del (p.Glu1236fs)

Gene: ASH1L (ASH1 like histone lysine methyltransferase; minus strand). Cytogenetic location: 1q22.
Variant type: Deletion.
Coding change: c.3705del on transcript NM_018489.3 (MANE Select); coding-DNA position 3705, one base deleted (T; older notation c.3705delT).
Protein change: p.Glu1236fs; shifts the reading frame from glutamic acid 1236.
Molecular consequence: frameshift variant.
Genome position (GRCh38, 1-based): chr1:155,479,165, A deleted on the plus strand (T on the coding strand, the reverse complement: ASH1L is on the minus strand). VCF-style (leftmost placement, unchanged base first): chr1-155479164-CA-C. GRCh37 (hg19) VCF-style: chr1-155448955-CA-C.
Other names: DEL/INS, NT3704; c.3705del, p.Glu1236fs (NM_001366177.2); short protein forms E1236fs.
Identifiers: ClinVar variation 446514 (VCV000446514.3), dbSNP rs1553265189, ClinGen allele CA658656962.

ClinVar aggregate classification (germline): Likely pathogenic. Review status: criteria provided, single submitter (1 of 4 stars). 2 submissions from 2 submitters: Likely pathogenic (1). 1 of the submissions does not count toward it. Last evaluated 2022-10-08.

Conditions:
Intellectual developmental disorder, autosomal dominant 52. Also called: Mental retardation, autosomal dominant 52; Intellectual disability, autosomal dominant 52. Identifiers: MedGen C4540478, MONDO:0030918, OMIM 617796.

Submissions (2):

Medical Genetics Center, Maternal and Child Health Hospital of Hubei Province
Classification: Likely pathogenic for Intellectual developmental disorder, autosomal dominant 52. Last evaluated: 2022-10-08. Review status: criteria provided, single submitter. Criteria: ACMG Guidelines, 2015. Collection method: clinical testing. Allele origin: de novo. Affected: yes.
Comment: PVS1 + PM2_Supporting

OMIM
Classification: Pathogenic for INTELLECTUAL DEVELOPMENTAL DISORDER, AUTOSOMAL DOMINANT 52. Last evaluated: 2022-04-28. Review status: no assertion criteria provided. Collection method: literature only. Allele origin: germline. Not counted in ClinVar's aggregate classification.

Literature cited by the submitters: PubMed 28191889 (cited by OMIM).